The following is an entry in ClinVar:

NM_003482.4(KMT2D):c.1981C>T (p.Arg661Cys)

Gene: KMT2D (lysine methyltransferase 2D; minus strand). Cytogenetic location: 12q13.12.
Variant type: single nucleotide variant.
Coding change: c.1981C>T on transcript NM_003482.4 (MANE Select); coding-DNA position 1981, C replaced by T.
Protein change: p.Arg661Cys; replaces arginine 661 with cysteine.
Molecular consequence: missense variant.
Genome position (GRCh38, 1-based): chr12:49,051,702, G>A on the plus strand (C>T on the coding strand, the complement: KMT2D is on the minus strand). VCF-style: chr12-49051702-G-A. GRCh37 (hg19) VCF-style: chr12-49445485-G-A.
Other names: short protein forms R661C.
Identifiers: ClinVar variation 3609780 (VCV003609780.3).

ClinVar aggregate classification (germline): Conflicting classifications of pathogenicity. Review status: criteria provided, conflicting classifications (1 of 4 stars). 2 submissions from 2 submitters: Uncertain significance (1); Likely benign (1). Last evaluated 2024-07-31.

Conditions:
Kabuki syndrome. Also called: Kabuki make-up syndrome; NIIKAWA-KUROKI SYNDROME. Identifiers: Orphanet 2322, MedGen C0796004, MONDO:0016512.

gnomAD v4.1: 14 of 1,582,744 alleles (0.00088%); highest among the groups gnomAD compares: East Asian, 0.0068%; no homozygotes.

Submissions (2):

Labcorp Genetics (formerly Invitae), Labcorp
Classification: Uncertain significance for Kabuki syndrome. Last evaluated: 2024-07-31. Review status: criteria provided, single submitter. Criteria: Invitae Variant Classification Sherloc (09022015). Collection method: clinical testing. Allele origin: germline.
Comment: This sequence change replaces arginine, which is basic and polar, with cysteine, which is neutral and slightly polar, at codon 661 of the KMT2D protein (p.Arg661Cys). This variant is not present in population databases (gnomAD no frequency). This variant has not been reported in the literature in individuals affected with KMT2D-related conditions. Advanced modeling of protein sequence and biophysical properties (such as structural, functional, and spatial information, amino acid conservation, physicochemical variation, residue mobility, and thermodynamic stability) performed at Invitae indicates that this missense variant is not expected to disrupt KMT2D protein function with a negative predictive value of 95%. In summary, the available evidence is currently insufficient to determine the role of this variant in disease. Therefore, it has been classified as a Variant of Uncertain Significance.

Blueprint Genetics
Classification: Likely benign. Last evaluated: 2019-08-19. Review status: criteria provided, single submitter. Criteria: ACMG Guidelines, 2015. Collection method: clinical testing. Allele origin: germline.